The following is an entry in ClinVar:

ClinVar aggregate classification (germline): Pathogenic (1 of 4 stars; one submission).

Submission:

Labcorp Genetics (formerly Invitae), Labcorp
Classification: Pathogenic. Last evaluated: 2025-04-13. Review status: criteria provided, single submitter. Criteria: Invitae Variant Classification Sherloc (09022015). Collection method: clinical testing. Allele origin: germline.
Comment: This sequence change creates a premature translational stop signal (p.Phe283Cysfs*10) in the TYRP1 gene. It is expected to result in an absent or disrupted protein product. Loss-of-function variants in TYRP1 are known to be pathogenic (PMID: 8651291, 9345097). This variant is not present in population databases (gnomAD no frequency). This variant has not been reported in the literature in individuals affected with TYRP1-related conditions. Algorithms developed to predict the effect of sequence changes on RNA splicing suggest that this variant may disrupt the consensus splice site. For these reasons, this variant has been classified as Pathogenic.

Literature cited by the submitters: PubMed 8651291; PubMed 9345097.

NM_000550.3(TYRP1):c.844_847dup (p.Phe283fs)

Gene: TYRP1 (tyrosinase related protein 1; plus strand). Cytogenetic location: 9p23.
Variant type: Duplication.
Coding change: c.844_847dup on transcript NM_000550.3 (MANE Select); coding-DNA positions 844 to 847, 4 bases duplicated (GTCT; older notation c.844_847dupGTCT).
Protein change: p.Phe283fs; shifts the reading frame from phenylalanine 283.
Molecular consequence: frameshift variant.
Genome position (GRCh38, 1-based): chr9:12,698,586-12,698,589, GTCT duplicated; duplicating any 4 consecutive bases within chr9:12,698,583-12,698,589 gives the same sequence; the c. name uses the placement nearest the transcript's 3' end. VCF-style (leftmost placement, unchanged base first): chr9-12698582-C-CTCTG. GRCh37 (hg19) VCF-style: chr9-12698582-C-CTCTG.
Other names: short protein forms F283fs.
Identifiers: ClinVar variation 4717463 (VCV004717463.1).